The following is an entry in ClinVar:

ClinVar aggregate classification (germline): Uncertain significance (1 of 4 stars; one submission).

Conditions:
Vitamin B2 deficiency. Identifiers: MedGen C0035528.

Submission:

Labcorp Genetics (formerly Invitae), Labcorp
Classification: Uncertain significance for Vitamin B2 deficiency. Last evaluated: 2025-07-01. Review status: criteria provided, single submitter. Criteria: Invitae Variant Classification Sherloc (09022015). Collection method: clinical testing. Allele origin: germline.
Comment: This sequence change replaces phenylalanine, which is neutral and non-polar, with isoleucine, which is neutral and non-polar, at codon 135 of the SLC52A1 protein (p.Phe135Ile). This variant is not present in population databases (gnomAD no frequency). This variant has not been reported in the literature in individuals affected with SLC52A1-related conditions. Invitae Evidence Modeling of protein sequence and biophysical properties (such as structural, functional, and spatial information, amino acid conservation, physicochemical variation, residue mobility, and thermodynamic stability) indicates that this missense variant is not expected to disrupt SLC52A1 protein function with a negative predictive value of 80%. In summary, the available evidence is currently insufficient to determine the role of this variant in disease. Therefore, it has been classified as a Variant of Uncertain Significance.

NM_017986.4(SLC52A1):c.403T>A (p.Phe135Ile)

Gene: SLC52A1 (solute carrier family 52 member 1; minus strand). Cytogenetic location: 17p13.2.
Variant type: single nucleotide variant.
Coding change: c.403T>A on transcript NM_017986.4 (MANE Select); coding-DNA position 403, T replaced by A.
Protein change: p.Phe135Ile; replaces phenylalanine 135 with isoleucine.
Molecular consequence: missense variant.
Genome position (GRCh38, 1-based): chr17:5,034,086, A>T on the plus strand (T>A on the coding strand, the complement: SLC52A1 is on the minus strand). VCF-style: chr17-5034086-A-T. GRCh37 (hg19) VCF-style: chr17-4937381-A-T.
Other names: c.403T>A, p.Phe135Ile (NM_001104577.2); short protein forms F135I.
Identifiers: ClinVar variation 4746577 (VCV004746577.1).